The following is an entry in ClinVar:

ClinVar aggregate classification (germline): Uncertain significance. Review status: criteria provided, multiple submitters, no conflicts (2 of 4 stars). 2 submissions from 2 submitters: Uncertain significance (2). Last evaluated 2026-08-12.

Conditions:
Inborn genetic diseases. Identifiers: MedGen C0950123, MeSH D030342.

Allele frequency attached by ClinVar (database versions not stated): gnomAD 0.00001; TOPMed 0.00001; gnomAD exomes below 0.00001.
gnomAD v4.1: 4 of 1,600,748 alleles (0.00025%); highest among the groups gnomAD compares: African/African-American, 0.0027%; no homozygotes.

Submissions (2):

Ambry Genetics
Classification: Uncertain significance for Inborn genetic diseases. Last evaluated: 2026-08-12. Review status: criteria provided, single submitter. Criteria: Ambry Variant Classification Scheme 2023. Collection method: clinical testing. Allele origin: germline.

Labcorp Genetics (formerly Invitae), Labcorp
Classification: Uncertain significance. Last evaluated: 2022-05-04. Review status: criteria provided, single submitter. Criteria: Invitae Variant Classification Sherloc (09022015). Collection method: clinical testing. Allele origin: germline.
Comment: This sequence change replaces arginine, which is basic and polar, with cysteine, which is neutral and slightly polar, at codon 72 of the MYO7A protein (p.Arg72Cys). This variant is not present in population databases (gnomAD no frequency). This variant has not been reported in the literature in individuals affected with MYO7A-related conditions. Algorithms developed to predict the effect of missense changes on protein structure and function are either unavailable or do not agree on the potential impact of this missense change (SIFT: "Deleterious"; PolyPhen-2: "Probably Damaging"; Align-GVGD: "Class C0"). In summary, the available evidence is currently insufficient to determine the role of this variant in disease. Therefore, it has been classified as a Variant of Uncertain Significance.

NM_000260.4(MYO7A):c.214C>T (p.Arg72Cys)

Gene: MYO7A (myosin VIIA; plus strand). Cytogenetic location: 11q13.5.
Variant type: single nucleotide variant.
Coding change: c.214C>T on transcript NM_000260.4 (MANE Select); coding-DNA position 214, C replaced by T.
Protein change: p.Arg72Cys; replaces arginine 72 with cysteine.
Molecular consequence: missense variant.
Genome position (GRCh38, 1-based): chr11:77,147,879, C>T. VCF-style: chr11-77147879-C-T. GRCh37 (hg19) VCF-style: chr11-76858925-C-T.
Other names: c.214C>T, p.Arg72Cys (NM_001127180.2); c.181C>T, p.Arg61Cys (NM_001369365.1); c.214C>T (NM_000260.3); short protein forms R61C, R72C.
Identifiers: ClinVar variation 1358418 (VCV001358418.6), dbSNP rs1210937627, ClinGen allele CA381929043.